The following is an entry in ClinVar:

ClinVar aggregate classification (germline): Uncertain significance (1 of 4 stars; one submission).

Conditions:
Autoimmune lymphoproliferative syndrome type 1. Also called: AUTOIMMUNE LYMPHOPROLIFERATIVE SYNDROME, TYPE I, AUTOSOMAL DOMINANT. Identifiers: Orphanet 3261, MedGen C2717884, MONDO:0011158, OMIM 601859.

Submission:

Labcorp Genetics (formerly Invitae), Labcorp
Classification: Uncertain significance for Autoimmune lymphoproliferative syndrome. Last evaluated: 2024-07-03. Review status: criteria provided, single submitter. Criteria: Invitae Variant Classification Sherloc (09022015). Collection method: clinical testing. Allele origin: germline.
Comment: This sequence change replaces leucine, which is neutral and non-polar, with phenylalanine, which is neutral and non-polar, at codon 215 of the FAS protein (p.Leu215Phe). This variant is not present in population databases (gnomAD no frequency). This variant has not been reported in the literature in individuals affected with FAS-related conditions. Advanced modeling of protein sequence and biophysical properties (such as structural, functional, and spatial information, amino acid conservation, physicochemical variation, residue mobility, and thermodynamic stability) has been performed at Invitae for this missense variant, however the output from this modeling did not meet the statistical confidence thresholds required to predict the impact of this variant on FAS protein function. In summary, the available evidence is currently insufficient to determine the role of this variant in disease. Therefore, it has been classified as a Variant of Uncertain Significance.

NM_000043.6(FAS):c.645A>T (p.Leu215Phe)

Gene: FAS (Fas cell surface death receptor; plus strand). Cytogenetic location: 10q23.31.
Variant type: single nucleotide variant.
Coding change: c.645A>T on transcript NM_000043.6 (MANE Select); coding-DNA position 645, A replaced by T.
Protein change: p.Leu215Phe; replaces leucine 215 with phenylalanine.
Molecular consequence: missense variant. On other transcripts: non-coding transcript variant (6), intron variant (1).
Genome position (GRCh38, 1-based): chr10:89,012,075, A>T. VCF-style: chr10-89012075-A-T. GRCh37 (hg19) VCF-style: chr10-90771832-A-T.
Other names: c.690A>T, p.Leu230Phe (NM_001410956.1); c.582A>T, p.Leu194Phe (NM_152871.4); c.645A>T, p.Leu215Phe (NM_152872.4); c.568+1260A>T (NM_001320619.2); short protein forms L194F, L215F, L230F.
Identifiers: ClinVar variation 3676330 (VCV003676330.2).